The following is an entry in ClinVar:

NM_001347721.2(DYRK1A):c.1673G>T (p.Gly558Val)

Gene: DYRK1A (dual specificity tyrosine phosphorylation regulated kinase 1A; plus strand). Cytogenetic location: 21q22.13.
Variant type: single nucleotide variant.
Coding change: c.1673G>T on transcript NM_001347721.2 (MANE Select); coding-DNA position 1673, G replaced by T.
Protein change: p.Gly558Val; replaces glycine 558 with valine.
Molecular consequence: missense variant. On other transcripts: 3 prime UTR variant (1).
Genome position (GRCh38, 1-based): chr21:37,511,939, G>T. VCF-style: chr21-37511939-G-T. GRCh37 (hg19) VCF-style: chr21-38884242-G-T.
Other names: c.1673G>T, p.Gly558Val (NM_001347722.2, NM_130436.2); c.1586G>T, p.Gly529Val (NM_001347723.2); c.1700G>T, p.Gly567Val (NM_001396.5); c.*76G>T (NM_101395.2); c.1575G>T, p.Trp525Cys (NM_130438.2); short protein forms G529V, G558V, G567V, W525C.
Identifiers: ClinVar variation 1011166 (VCV001011166.9), dbSNP rs1453245604, ClinGen allele CA409939324.

ClinVar aggregate classification (germline): Uncertain significance (1 of 4 stars; one submission).

Conditions:
DYRK1A-related intellectual disability syndrome (MRD7). Also called: Intellectual developmental disorder, autosomal dominant 7; DYRK1A Syndrome. Identifiers: Orphanet 464306, MedGen C5568143, MONDO:0013578, OMIM 614104.

gnomAD v4.1: 1 of 1,613,548 alleles (0.000062%); no homozygotes.

Submission:

Labcorp Genetics (formerly Invitae), Labcorp
Classification: Uncertain significance for DYRK1A-related intellectual disability syndrome. Last evaluated: 2024-02-17. Review status: criteria provided, single submitter. Criteria: Invitae Variant Classification Sherloc (09022015). Collection method: clinical testing. Allele origin: germline.
Comment: This sequence change replaces glycine, which is neutral and non-polar, with valine, which is neutral and non-polar, at codon 567 of the DYRK1A protein (p.Gly567Val). This variant is not present in population databases (gnomAD no frequency). This variant has not been reported in the literature in individuals affected with DYRK1A-related conditions. ClinVar contains an entry for this variant (Variation ID: 1011166). An algorithm developed to predict the effect of missense changes on protein structure and function (PolyPhen-2) suggests that this variant is likely to be tolerated. In summary, the available evidence is currently insufficient to determine the role of this variant in disease. Therefore, it has been classified as a Variant of Uncertain Significance.